The following is an entry in ClinVar:

ClinVar aggregate classification (germline): Uncertain significance (1 of 4 stars; one submission).

Submission:

Labcorp Genetics (formerly Invitae), Labcorp
Classification: Uncertain significance. Last evaluated: 2022-11-01. Review status: criteria provided, single submitter. Criteria: Invitae Variant Classification Sherloc (09022015). Collection method: clinical testing. Allele origin: germline.
Comment: In summary, the available evidence is currently insufficient to determine the role of this variant in disease. Therefore, it has been classified as a Variant of Uncertain Significance. Algorithms developed to predict the effect of missense changes on protein structure and function are either unavailable or do not agree on the potential impact of this missense change (SIFT: "Tolerated"; PolyPhen-2: "Possibly Damaging"; Align-GVGD: "Class C0"). This variant has not been reported in the literature in individuals affected with IRF2BP2-related conditions. This variant is not present in population databases (gnomAD no frequency). This sequence change replaces arginine, which is basic and polar, with glycine, which is neutral and non-polar, at codon 137 of the IRF2BP2 protein (p.Arg137Gly).

NM_182972.3(IRF2BP2):c.409C>G (p.Arg137Gly)

Genes: IRF2BP2 (interferon regulatory factor 2 binding protein 2; minus strand), LOC129932812 (ATAC-STARR-seq lymphoblastoid silent region 1977; plus strand). Cytogenetic location: 1q42.3.
Variant type: single nucleotide variant.
Coding change: c.409C>G on transcript NM_182972.3 (MANE Select); coding-DNA position 409, C replaced by G.
Protein change: p.Arg137Gly; replaces arginine 137 with glycine.
Molecular consequence: missense variant.
Genome position (GRCh38, 1-based): chr1:234,609,086, G>C on the plus strand (C>G on the coding strand, the complement: IRF2BP2 is on the minus strand). VCF-style: chr1-234609086-G-C. GRCh37 (hg19) VCF-style: chr1-234744832-G-C.
Other names: c.409C>G, p.Arg137Gly (NM_001077397.1); short protein forms R137G.
Identifiers: ClinVar variation 2804519 (VCV002804519.3), dbSNP rs534600817, ClinGen allele CA345310560.